The following is an entry in ClinVar:

ClinVar aggregate classification (germline): Pathogenic (1 of 4 stars; one submission).

Conditions:
Familial adenomatous polyposis 1 (FAP1). Also called: FAMILIAL ADENOMATOUS POLYPOSIS 1, ATTENUATED; POLYPOSIS, ADENOMATOUS INTESTINAL. Identifiers: MedGen C2713442, MONDO:0021056, OMIM 175100. Disease mechanism: loss of function.

Submission:

Labcorp Genetics (formerly Invitae), Labcorp
Classification: Pathogenic for Familial adenomatous polyposis 1. Last evaluated: 2016-09-25. Review status: criteria provided, single submitter. Criteria: Invitae Variant Classification Sherloc (09022015). Collection method: clinical testing. Allele origin: germline.
Comment: This variant is a gross deletion of the genomic region encompassing exon 16 of the APC gene. The 5' boundary is likely confined to intron 15. The 3' end of this event is unknown as it extends through the termination codon beyond the assayed region for this gene and may encompass additional genes. While this deletion is not anticipated to result in nonsense mediated decay, it is expected to create a truncated APC protein by eliminating 1911 aa (~65%) from the protein. Loss-of-function variants in APC are known to be pathogenic. Similar deletions of exon 16 have been reported in the literature in individuals affected with adenomatous polyposis (PMID: 17568392). In addition, multiple truncations (PMID: 1338764, 20685668, 10083733, 1316610, Invitae database) within this exon have been reported to be pathogenic. For these reasons, this variant has been classified as Pathogenic.

NG_008481.4:g.(?_150033)_(158719_?)del

Gene: APC (APC regulator of Wnt signaling pathway; plus strand). Cytogenetic location: 5q22.2.
Variant type: Deletion.
Identifiers: ClinVar variation 841 (VCV000000841.1).